The following is an entry in ClinVar:

NM_001005242.3(PKP2):c.1855C>T (p.Pro619Ser)

Gene: PKP2 (plakophilin 2; minus strand). Cytogenetic location: 12p11.21.
Variant type: single nucleotide variant.
Coding change: c.1855C>T on transcript NM_001005242.3 (MANE Select); coding-DNA position 1855, C replaced by T.
Protein change: p.Pro619Ser; replaces proline 619 with serine.
Molecular consequence: missense variant.
Genome position (GRCh38, 1-based): chr12:32,821,514, G>A on the plus strand (C>T on the coding strand, the complement: PKP2 is on the minus strand). VCF-style: chr12-32821514-G-A. GRCh37 (hg19) VCF-style: chr12-32974448-G-A.
Other names: c.1855C>T, p.Pro619Ser (NM_001407155.1, NM_001407161.1); c.1690C>T, p.Pro564Ser (NM_001407156.1); c.1987C>T, p.Pro663Ser (NM_001407157.1, NM_004572.4); c.1528C>T, p.Pro510Ser (NM_001407158.1, NM_001407159.1, NM_001407160.1 and 1 more transcripts); short protein forms P510S, P564S, P619S, P663S.
Identifiers: ClinVar variation 3071616 (VCV003071616.1), dbSNP rs1256052868, ClinGen allele CA384362366.

ClinVar aggregate classification (germline): Uncertain significance (1 of 4 stars; one submission).

Conditions:
Arrhythmogenic right ventricular cardiomyopathy (ARVD). Also called: Arrhythmogenic right ventricular dysplasia; Cardiomyopathy, ARVC; Arrhythmogenic cardiomyopathy; Arrhythmogenic Right Ventricular Cardiomyopathy (ARVC). Identifiers: Orphanet 247, MedGen C0349788, MeSH D019571, MONDO:0016587. Disease mechanism: loss of function. Inheritance: Various modes of inheritance.

Allele frequency attached by ClinVar (database versions not stated): gnomAD exomes below 0.00001; TOPMed 0.00001.
gnomAD v4.1: 1 of 1,613,964 alleles (0.000062%); highest among the groups gnomAD compares: Admixed American, 0.0017%; no homozygotes.

Submission:

All of Us Research Program, National Institutes of Health
Classification: Uncertain significance for Arrhythmogenic right ventricular cardiomyopathy. Last evaluated: 2023-09-17. Review status: criteria provided, single submitter. Criteria: ACMG Guidelines, 2015. Collection method: clinical testing. Allele origin: germline. Inheritance: Autosomal dominant inheritance. Observed: 2 variant alleles, 2 heterozygotes.
Comment: This missense variant replaces proline with serine at codon 663 of the PKP2 protein. Computational prediction suggests that this variant may not impact protein structure and function (internally defined REVEL score threshold <= 0.5, PMID: 27666373). To our knowledge, functional studies have not been reported for this variant. This variant has not been reported in individuals affected with PKP2-related disorders in the literature. This variant has not been identified in the general population by the Genome Aggregation Database (gnomAD). The available evidence is insufficient to determine the role of this variant in disease conclusively. Therefore, this variant is classified as a Variant of Uncertain Significance.

This study involves interpretation of variants in research participants for the purpose of population health screening. Participant phenotype was not available at the time of variant classification. Additional details can be found in publication PMID: 35346344, PMCID: PMC8962531